The following is an entry in ClinVar:

NM_002691.4(POLD1):c.1360C>A (p.Arg454Ser)

Gene: POLD1 (DNA polymerase delta 1, catalytic subunit; plus strand). Cytogenetic location: 19q13.33.
Variant type: single nucleotide variant.
Coding change: c.1360C>A on transcript NM_002691.4 (MANE Select); coding-DNA position 1360, C replaced by A.
Protein change: p.Arg454Ser; replaces arginine 454 with serine.
Molecular consequence: missense variant. On other transcripts: non-coding transcript variant (1).
Genome position (GRCh38, 1-based): chr19:50,406,299, C>A. VCF-style: chr19-50406299-C-A. GRCh37 (hg19) VCF-style: chr19-50909556-C-A.
Other names: c.1360C>A, p.Arg454Ser (NM_001256849.1, NM_001308632.1); short protein forms R454S.
Identifiers: ClinVar variation 819005 (VCV000819005.11), dbSNP rs906743894, ClinGen allele CA406979947.

ClinVar aggregate classification (germline): Uncertain significance. Review status: criteria provided, multiple submitters, no conflicts (2 of 4 stars). 2 submissions from 2 submitters: Uncertain significance (2). Last evaluated 2023-12-07.

Conditions:
POLD1-related polyposis and colorectal cancer syndrome (CRCS10). Also called: Colorectal cancer, susceptibility to, 10; Colorectal cancer 10; COLORECTAL CANCER, SUSCEPTIBILITY TO, ON CHROMOSOME 19q. Identifiers: Orphanet 220460, MedGen C2675481, MONDO:0012953, OMIM 612591.
Hereditary cancer-predisposing syndrome. Also called: Hereditary Cancer Syndrome; Hereditary neoplastic syndrome; Neoplastic Syndromes, Hereditary; Tumor predisposition. Identifiers: Orphanet 140162, MedGen C0027672, MeSH D009386, MONDO:0015356.

Submissions (2):

Ambry Genetics
Classification: Uncertain significance for Hereditary cancer-predisposing syndrome. Last evaluated: 2023-12-07. Review status: criteria provided, single submitter. Criteria: Ambry Variant Classification Scheme 2023. Collection method: clinical testing. Allele origin: germline.
Comment: The p.R454S variant (also known as c.1360C>A), located in coding exon 10 of the POLD1 gene, results from a C to A substitution at nucleotide position 1360. The arginine at codon 454 is replaced by serine, an amino acid with dissimilar properties. This amino acid position is well conserved in available vertebrate species. In addition, this alteration is predicted to be deleterious by in silico analysis. Since supporting evidence is limited at this time, the clinical significance of this alteration remains unclear.

Labcorp Genetics (formerly Invitae), Labcorp
Classification: Uncertain significance for POLD1-related polyposis and colorectal cancer syndrome. Last evaluated: 2021-08-31. Review status: criteria provided, single submitter. Criteria: Invitae Variant Classification Sherloc (09022015). Collection method: clinical testing. Allele origin: germline.
Comment: This sequence change replaces arginine with serine at codon 454 of the POLD1 protein (p.Arg454Ser). The arginine residue is highly conserved and there is a moderate physicochemical difference between arginine and serine. This variant is not present in population databases (ExAC no frequency). This variant has not been reported in the literature in individuals affected with POLD1-related conditions. ClinVar contains an entry for this variant (Variation ID: 819005). Algorithms developed to predict the effect of missense changes on protein structure and function are either unavailable or do not agree on the potential impact of this missense change (SIFT: "Deleterious"; PolyPhen-2: "Probably Damaging"; Align-GVGD: "Class C0"). In summary, the available evidence is currently insufficient to determine the role of this variant in disease. Therefore, it has been classified as a Variant of Uncertain Significance.